The following is an entry in ClinVar:

NM_021813.4(BACH2):c.1503G>A (p.Pro501=)

Gene: BACH2 (BACH transcriptional regulator 2; minus strand). Cytogenetic location: 6q15.
Variant type: single nucleotide variant.
Coding change: c.1503G>A on transcript NM_021813.4 (MANE Select); coding-DNA position 1503, G replaced by A.
Protein change: p.Pro501=; no amino-acid change (proline 501 retained).
Molecular consequence: synonymous variant.
Genome position (GRCh38, 1-based): chr6:89,950,603, C>T on the plus strand (G>A on the coding strand, the complement: BACH2 is on the minus strand). VCF-style: chr6-89950603-C-T. GRCh37 (hg19) VCF-style: chr6-90660322-C-T.
Other names: c.1503G>A, p.Pro501= (NM_001170794.2).
Identifiers: ClinVar variation 1618045 (VCV001618045.31), dbSNP rs148028918, ClinGen allele CA3927975.

ClinVar aggregate classification (germline): Benign/Likely benign. Review status: criteria provided, multiple submitters, no conflicts (2 of 4 stars). 3 submissions from 3 submitters: Benign (2); Likely benign (1). Last evaluated 2026-01-28.

Allele frequency attached by ClinVar (database versions not stated): gnomAD 0.00063 and 0.00099; TOPMed 0.00083; ESP Exome Variant Server 0.00092; gnomAD exomes 0.00165 and 0.00215; 1000 Genomes Project 0.00180; ExAC 0.00239; 1000 Genomes Project 30x 0.00250.
gnomAD v4.1: 2,558 of 1,613,448 alleles (0.16%); highest among the groups gnomAD compares: South Asian, 1.1%; 20 homozygotes.

Submissions (3):

Labcorp Genetics (formerly Invitae), Labcorp
Classification: Benign. Last evaluated: 2026-01-28. Review status: criteria provided, single submitter. Criteria: Invitae Variant Classification Sherloc (09022015). Collection method: clinical testing. Allele origin: germline.

Blueprint Genetics
Classification: Likely benign. Last evaluated: 2024-10-25. Review status: criteria provided, single submitter. Criteria: ACMG Guidelines, 2015. Collection method: clinical testing. Allele origin: germline.

CeGaT Center for Human Genetics Tuebingen
Classification: Benign. Last evaluated: 2024-06-01. Review status: criteria provided, single submitter. Criteria: CeGaT Center For Human Genetics Tuebingen Variant Classification Criteria Version 2. Collection method: clinical testing. Allele origin: germline. Affected: yes. Observed: 3 variant alleles.
Comment: BACH2: BP4, BP7, BS1, BS2